The following is an entry in ClinVar:

ClinVar aggregate classification (germline): Uncertain significance (1 of 4 stars; one submission).

Conditions:
Osteogenesis imperfecta type 8 (OI8). Identifiers: MedGen C1970458, MONDO:0012581, OMIM 610915.

Submission:

Labcorp Genetics (formerly Invitae), Labcorp
Classification: Uncertain significance for Osteogenesis imperfecta type 8. Last evaluated: 2022-01-08. Review status: criteria provided, single submitter. Criteria: Invitae Variant Classification Sherloc (09022015). Collection method: clinical testing. Allele origin: germline.
Comment: This sequence change replaces glutamine, which is neutral and polar, with histidine, which is basic and polar, at codon 319 of the P3H1 protein (p.Gln319His). This variant is not present in population databases (gnomAD no frequency). This variant has not been reported in the literature in individuals affected with P3H1-related conditions. Algorithms developed to predict the effect of missense changes on protein structure and function are either unavailable or do not agree on the potential impact of this missense change (SIFT: "Deleterious"; PolyPhen-2: "Benign"; Align-GVGD: "Class C0"). In summary, the available evidence is currently insufficient to determine the role of this variant in disease. Therefore, it has been classified as a Variant of Uncertain Significance.

NM_022356.4(P3H1):c.957G>C (p.Gln319His)

Gene: P3H1 (prolyl 3-hydroxylase 1; minus strand). Cytogenetic location: 1p34.2.
Variant type: single nucleotide variant.
Coding change: c.957G>C on transcript NM_022356.4 (MANE Select); coding-DNA position 957, G replaced by C.
Protein change: p.Gln319His; replaces glutamine 319 with histidine.
Molecular consequence: missense variant.
Genome position (GRCh38, 1-based): chr1:42,757,906, C>G on the plus strand (G>C on the coding strand, the complement: P3H1 is on the minus strand). VCF-style: chr1-42757906-C-G. GRCh37 (hg19) VCF-style: chr1-43223577-C-G.
Other names: c.957G>C, p.Gln319His (NM_001146289.2, NM_001243246.2); short protein forms Q319H.
Identifiers: ClinVar variation 1390463 (VCV001390463.8), dbSNP rs2124135719, ClinGen allele CA339959079.